The following is an entry in ClinVar:

ClinVar aggregate classification (germline): Uncertain significance (1 of 4 stars; one submission).

Conditions:
Inborn genetic diseases. Identifiers: MedGen C0950123, MeSH D030342.

Submission:

Ambry Genetics
Classification: Uncertain significance for Inborn genetic diseases. Last evaluated: 2026-02-28. Review status: criteria provided, single submitter. Criteria: Ambry Variant Classification Scheme 2023. Collection method: clinical testing. Allele origin: germline.
Comment: The p.A1012P variant (also known as c.3034G>C), located in coding exon 1 of the SAMD9L gene, results from a G to C substitution at nucleotide position 3034. The alanine at codon 1012 is replaced by proline, an amino acid with highly similar properties. This amino acid position is conserved. In addition, this alteration is predicted to be tolerated by in silico analysis. Based on the available evidence, the clinical significance of this variant remains unclear.

NM_152703.5(SAMD9L):c.3034G>C (p.Ala1012Pro)

Gene: SAMD9L (sterile alpha motif domain containing 9 like; minus strand). Cytogenetic location: 7q21.2.
Variant type: single nucleotide variant.
Coding change: c.3034G>C on transcript NM_152703.5 (MANE Select); coding-DNA position 3034, G replaced by C.
Protein change: p.Ala1012Pro; replaces alanine 1012 with proline.
Molecular consequence: missense variant.
Genome position (GRCh38, 1-based): chr7:93,132,938, C>G on the plus strand (G>C on the coding strand, the complement: SAMD9L is on the minus strand). VCF-style: chr7-93132938-C-G. GRCh37 (hg19) VCF-style: chr7-92762251-C-G.
Other names: c.3034G>C, p.Ala1012Pro (NM_001350085.2, NM_001303496.3, NM_001303497.3 and 5 more transcripts); short protein forms A1012P.
Identifiers: ClinVar variation 4826177 (VCV004826177.1).